The following is an entry in ClinVar:

NM_017617.5(NOTCH1):c.7363A>G (p.Thr2455Ala)

Gene: NOTCH1 (notch receptor 1; minus strand). Cytogenetic location: 9q34.3.
Variant type: single nucleotide variant.
Coding change: c.7363A>G on transcript NM_017617.5 (MANE Select); coding-DNA position 7363, A replaced by G.
Protein change: p.Thr2455Ala; replaces threonine 2455 with alanine.
Molecular consequence: missense variant.
Genome position (GRCh38, 1-based): chr9:136,496,376, T>C on the plus strand (A>G on the coding strand, the complement: NOTCH1 is on the minus strand). VCF-style: chr9-136496376-T-C. GRCh37 (hg19) VCF-style: chr9-139390828-T-C.
Other names: c.7363A>G, p.Thr2455Ala (LRG_1122t1); short protein forms T2455A.
Identifiers: ClinVar variation 264349 (VCV000264349.23), dbSNP rs536167222, ClinGen allele CA5339690.
Genomic context (GRCh38, chr9:136,496,376, plus strand): 5'-GTGGGACCAGCGAGGATGGCAGCGACGTGGGCAGGGCGGGGCTCTCCTGGGGCAGAATAG[T>C]GTGCACCGCCAGGCTGCTGGGGCCCAGTGGCTGCACGTCTGCCTGGCTCGGCTCTCCACT-3'
Protein context (NP_060087.3, residues 2445-2465): PLGPSSLAVH[Thr2455Ala]ILPQESPALP

ClinVar aggregate classification (germline): Conflicting classifications of pathogenicity. Review status: criteria provided, conflicting classifications (1 of 4 stars). 9 submissions from 8 submitters: Uncertain significance (8); Benign (1). Last evaluated 2025-12-20.

Conditions:
Adams-Oliver syndrome 5 (AOS5). Identifiers: Orphanet 974, MedGen C4014970, MONDO:0014459, OMIM 616028.
Aortic valve disease 1 (AOVD1). Identifiers: MedGen C3887892, MONDO:0024523, OMIM 109730.
Familial thoracic aortic aneurysm and aortic dissection (TAAD). Also called: Thoracic aortic aneurysms and dissections. Identifiers: Orphanet 91387, MedGen C4707243, MONDO:0019625.

Allele frequency attached by ClinVar (database versions not stated): TOPMed 0.00003; ExAC 0.00004; gnomAD 0.00006.
gnomAD v4.1: 82 of 1,595,618 alleles (0.0051%); highest among the groups gnomAD compares: Non-Finnish European, 0.0069%; no homozygotes.

Submissions (9):

Labcorp Genetics (formerly Invitae), Labcorp
Classification: Benign for Adams-Oliver syndrome 5. Last evaluated: 2025-12-20. Review status: criteria provided, single submitter. Criteria: Invitae Variant Classification Sherloc (09022015). Collection method: clinical testing. Allele origin: germline.

ARUP Laboratories, Molecular Genetics and Genomics, ARUP Laboratories
Classification: Uncertain significance. Last evaluated: 2024-09-27. Review status: criteria provided, single submitter. Criteria: ARUP Molecular Germline Variant Investigation Process 2024. Collection method: clinical testing. Allele origin: germline.
Comment: The NOTCH1 c.7363A>G; p.Thr2455Ala variant (rs536167222), to our knowledge, is not reported in the medical literature but is reported in ClinVar (Variation ID: 264349). This variant is found in the non-Finnish European population with an allele frequency of 0.005% (6/116,064 alleles) in the Genome Aggregation Database (v2.1.1). Computational analyses are uncertain whether this variant is neutral or deleterious (REVEL: 0.304). Due to limited information, the clinical significance of this variant is uncertain at this time.

Centre of Medical Genetics, University of Antwerp
Classification: Uncertain significance for Familial thoracic aortic aneurysm and aortic dissection. Last evaluated: 2024-09-06. Review status: criteria provided, single submitter. Criteria: ACMG Guidelines, 2015. Collection method: clinical testing. Allele origin: germline. Affected: yes.

Ambry Genetics
Classification: Uncertain significance for Familial thoracic aortic aneurysm and aortic dissection. Last evaluated: 2023-11-07. Review status: criteria provided, single submitter. Criteria: Ambry Variant Classification Scheme 2023. Collection method: clinical testing. Allele origin: germline.
Comment: The p.T2455A variant (also known as c.7363A>G), located in coding exon 34 of the NOTCH1 gene, results from an A to G substitution at nucleotide position 7363. The threonine at codon 2455 is replaced by alanine, an amino acid with similar properties. This amino acid position is well conserved in available vertebrate species. In addition, this alteration is predicted to be tolerated by in silico analysis. Since supporting evidence is limited at this time, the clinical significance of this variant remains unclear.

GeneDx
Classification: Uncertain significance. Last evaluated: 2023-08-17. Review status: criteria provided, single submitter. Criteria: GeneDx Variant Classification Process June 2021. Collection method: clinical testing. Allele origin: germline. Affected: yes.
Comment: Has not been previously published as pathogenic or benign to our knowledge; In silico analysis supports that this missense variant does not alter protein structure/function; This variant is associated with the following publications: (PMID: 37016248, 29120527, 33415446, 36426335)

Blueprint Genetics
Classification: Uncertain significance. Last evaluated: 2023-06-06. Review status: criteria provided, single submitter. Criteria: ACMG Guidelines, 2015. Collection method: clinical testing. Allele origin: germline.

Genome-Nilou Lab
Classification: Uncertain significance for Adams-Oliver syndrome 5. Last evaluated: 2022-03-15. Review status: criteria provided, single submitter. Criteria: ACMG Guidelines, 2015. Collection method: clinical testing. Allele origin: germline. Affected: no.

Genome-Nilou Lab
Classification: Uncertain significance for Aortic valve disease 1. Last evaluated: 2022-03-15. Review status: criteria provided, single submitter. Criteria: ACMG Guidelines, 2015. Collection method: clinical testing. Allele origin: germline. Affected: no.

Fulgent Genetics
Classification: Uncertain significance for Aortic valve disease 1; Adams-Oliver syndrome 5. Last evaluated: 2018-10-31. Review status: criteria provided, single submitter. Criteria: ACMG Guidelines, 2015. Collection method: clinical testing. Allele origin: unknown.